The following is an entry in ClinVar:

ClinVar aggregate classification (germline): Uncertain significance. Review status: criteria provided, multiple submitters, no conflicts (2 of 4 stars). 2 submissions from 2 submitters: Uncertain significance (2). Last evaluated 2025-03-13.

Conditions:
OTOF-related disorder. Also called: OTOF-related condition.

gnomAD v4.1: 4 of 1,608,778 alleles (0.00025%); highest among the groups gnomAD compares: Non-Finnish European, 0.00034%; no homozygotes.

Submissions (2):

PreventionGenetics, part of Exact Sciences
Classification: Uncertain significance for OTOF-related condition. Last evaluated: 2025-03-13. Review status: criteria provided, single submitter. Criteria: ACMG Guidelines, 2015. Collection method: clinical testing. Allele origin: germline.
Comment: The OTOF c.2557A>T variant is predicted to result in the amino acid substitution p.Met853Leu. To our knowledge, this variant has not been reported in the literature. This variant is reported in 0.00092% of alleles in individuals of European (Non-Finnish) descent in gnomAD. At this time, the clinical significance of this variant is uncertain due to the absence of conclusive functional and genetic evidence.

GeneDx
Classification: Uncertain significance. Last evaluated: 2025-01-23. Review status: criteria provided, single submitter. Criteria: GeneDx Variant Classification Process June 2021. Collection method: clinical testing. Allele origin: germline. Affected: yes.
Comment: Not observed at significant frequency in large population cohorts (gnomAD); In silico analysis indicates that this missense variant does not alter protein structure/function; Has not been previously published as pathogenic or benign to our knowledge

NM_194248.3(OTOF):c.2557A>T (p.Met853Leu)

Gene: OTOF (otoferlin; minus strand). Cytogenetic location: 2p23.3.
Variant type: single nucleotide variant.
Coding change: c.2557A>T on transcript NM_194248.3 (MANE Select); coding-DNA position 2557, A replaced by T.
Protein change: p.Met853Leu; replaces methionine 853 with leucine.
Molecular consequence: missense variant.
Genome position (GRCh38, 1-based): chr2:26,477,010, T>A on the plus strand (A>T on the coding strand, the complement: OTOF is on the minus strand). VCF-style: chr2-26477010-T-A. GRCh37 (hg19) VCF-style: chr2-26699878-T-A.
Other names: c.487A>T, p.Met163Leu (NM_194322.3); c.316A>T, p.Met106Leu (NM_194323.3, NM_004802.4); c.2557A>T (NM_194248.2); c.2557A>T, p.Met853Leu (NM_001287489.2); short protein forms M106L, M163L, M853L.
Identifiers: ClinVar variation 4071753 (VCV004071753.2).
Genomic context (GRCh38, chr2:26,477,010, plus strand): 5'-AGAAGAGCAGGTCCTTGGAGGGCACACGGGCATAGGCGACACGCTTGTTGTTGCTCATCA[T>A]CCAGATGAAGATGTCGGGAATGCTGTGCTGGGGCTGGGGGTTGGGGGGTGGCCAGGGGCA-3'
Protein context (NP_919224.1, residues 843-863): QHSIPDIFIW[Met853Leu]MSNNKRVAYA